The following is an entry in ClinVar:

NM_000038.6(APC):c.730-2198C>G

Gene: APC (APC regulator of WNT signaling pathway; plus strand). Cytogenetic location: 5q22.2.
Variant type: single nucleotide variant.
Coding change: c.730-2198C>G on transcript NM_000038.6 (MANE Select); 2198 bases into the intron before coding-DNA position 730, C replaced by G.
Molecular consequence: intron variant.
Genome position (GRCh38, 1-based): chr5:112,799,081, C>G. VCF-style: chr5-112799081-C-G. GRCh37 (hg19) VCF-style: chr5-112134778-C-G.
Other names: c.730-2198C>G (NM_001354895.2, NM_001127510.3, NM_001354896.2 and 1 more transcripts); c.760-2198C>G (NM_001354897.2, NM_001354902.2); c.676-2198C>G (NM_001127511.3); c.655-2198C>G (NM_001354898.2, NM_001354904.2); c.-306-2198C>G (NM_001354906.2); c.646-2198C>G (NM_001354899.2); c.553-2198C>G (NM_001354900.2, NM_001354901.2, NM_001354905.2).
Identifiers: ClinVar variation 83028 (VCV000083028.2), dbSNP rs79286992, ClinGen allele CA013451.
Genomic context (GRCh38, chr5:112,799,081, plus strand): 5'-CCAACATGGTGAAACCCTGTCTCTACTAAAAATACAAAACATAACCAGCATGGTGGTGGG[C>G]GCCTGTAATCCCAGCTACTTGGGAGGCTGAGGCATGAGAATCGTTTGAGCCGAGATTGCG-3'

ClinVar aggregate classification (germline): other (0 of 4 stars; one submission).

Conditions:
Familial colorectal cancer. Identifiers: MedGen CN280943, MONDO:0023113. Disease mechanism: loss of function.

Submission:

Systems Biology Platform Zhejiang California International NanoSystems Institute
Classification: other for Familial colorectal cancer. Review status: no assertion criteria provided. Collection method: not provided. Allele origin: unknown.
ClinVar note: Converted during submission from cancer to other.